The following is an entry in ClinVar:

ClinVar aggregate classification (germline): Uncertain significance (1 of 4 stars; one submission).

Submission:

Dasa
Classification: Uncertain significance. Last evaluated: 2025-01-15. Review status: criteria provided, single submitter. Criteria: DASA Assertion Criteria. Collection method: clinical testing. Allele origin: germline.
Comment: NM_001174089.2(SLC4A11):c.257C>T (p.Ser86Phe) is a missense variant that results in the substitution of serine with phenylalanine. This variant is absent from population databases. Computational prediction algorithms are consistent with a benign effect. The currently available literature and clinical evidence are not sufficient to establish a definitive association between this variant and the reported condition. Therefore, this variant is classified as a variant of uncertain significance.

NM_001174089.2(SLC4A11):c.257C>T (p.Ser86Phe)

Gene: SLC4A11 (solute carrier family 4 member 11; minus strand). Cytogenetic location: 20p13.
Variant type: single nucleotide variant.
Coding change: c.257C>T on transcript NM_001174089.2 (MANE Select); coding-DNA position 257, C replaced by T.
Protein change: p.Ser86Phe; replaces serine 86 with phenylalanine.
Molecular consequence: missense variant. On other transcripts: non-coding transcript variant (3).
Genome position (GRCh38, 1-based): chr20:3,234,602, G>A on the plus strand (C>T on the coding strand, the complement: SLC4A11 is on the minus strand). VCF-style: chr20-3234602-G-A. GRCh37 (hg19) VCF-style: chr20-3215248-G-A.
Other names: c.386C>T, p.Ser129Phe (NM_001174090.2, NM_001400280.1); c.257C>T, p.Ser86Phe (NM_001363745.2); c.200C>T, p.Ser67Phe (NM_001400277.1, NM_001400278.1, NM_001400279.1); c.305C>T, p.Ser102Phe (NM_032034.4); short protein forms S102F, S129F, S67F, S86F.
Identifiers: ClinVar variation 4886178 (VCV004886178.2).